The following is an entry in ClinVar:

NM_006044.4(HDAC6):c.2768C>T (p.Thr923Ile)

Gene: HDAC6 (histone deacetylase 6; plus strand). Cytogenetic location: Xp11.23.
Variant type: single nucleotide variant.
Coding change: c.2768C>T on transcript NM_006044.4 (MANE Select); coding-DNA position 2768, C replaced by T.
Protein change: p.Thr923Ile; replaces threonine 923 with isoleucine.
Molecular consequence: missense variant. On other transcripts: non-coding transcript variant (1).
Genome position (GRCh38, 1-based): chrX:48,823,167, C>T. VCF-style: chrX-48823167-C-T. GRCh37 (hg19) VCF-style: chrX-48681577-C-T.
Other names: c.2810C>T, p.Thr937Ile (NM_001321225.2); c.2768C>T, p.Thr923Ile (NM_001321226.2, NM_001321227.2, NM_001321228.2 and 1 more transcripts); short protein forms T923I, T937I.
Identifiers: ClinVar variation 3336251 (VCV003336251.1).

ClinVar aggregate classification (germline): Uncertain significance (1 of 4 stars; one submission).

gnomAD v4.1: 3 of 1,207,735 alleles (0.00025%); highest among the groups gnomAD compares: South Asian, 0.0036%; no homozygotes.

Submission:

Women's Health and Genetics/Laboratory Corporation of America, LabCorp
Classification: Uncertain significance. Last evaluated: 2024-05-02. Review status: criteria provided, single submitter. Criteria: LabCorp Variant Classification Summary - May 2015. Collection method: clinical testing. Allele origin: germline.
Comment: Variant summary: HDAC6 c.2768C>T (p.Thr923Ile) results in a non-conservative amino acid change in the encoded protein sequence. Four of five in-silico tools predict a benign effect of the variant on protein function. The variant allele was found at a frequency of 5.9e-06 in 170115 control chromosomes. The available data on variant occurrences in the general population are insufficient to allow any conclusion about variant significance. To our knowledge, no occurrence of c.2768C>T in individuals affected with X-Linked Dominant Chondrodysplasia, Chassaing-Lacombe Type and no experimental evidence demonstrating its impact on protein function have been reported. No submitters have cited clinical-significance assessments for this variant to ClinVar. Based on the evidence outlined above, the variant was classified as uncertain significance.